The following is an entry in ClinVar:

NM_004958.4(MTOR):c.2283C>T (p.Val761=)

Gene: MTOR (mechanistic target of rapamycin kinase; minus strand). Cytogenetic location: 1p36.22.
Variant type: single nucleotide variant.
Coding change: c.2283C>T on transcript NM_004958.4 (MANE Select); coding-DNA position 2283, C replaced by T.
Protein change: p.Val761=; no amino-acid change (valine 761 retained).
Molecular consequence: synonymous variant.
Genome position (GRCh38, 1-based): chr1:11,234,191, G>A on the plus strand (C>T on the coding strand, the complement: MTOR is on the minus strand). VCF-style: chr1-11234191-G-A. GRCh37 (hg19) VCF-style: chr1-11294248-G-A.
Other names: c.2283C>T, p.Val761= (NM_001386500.1); c.1035C>T, p.Val345= (NM_001386501.1).
Identifiers: ClinVar variation 1114394 (VCV001114394.11), dbSNP rs746829338, ClinGen allele CA590537.

ClinVar aggregate classification (germline): Likely benign. Review status: criteria provided, multiple submitters, no conflicts (2 of 4 stars). 2 submissions from 2 submitters: Likely benign (2). Last evaluated 2026-04-01.

Allele frequency attached by ClinVar (database versions not stated): gnomAD 0.00001; ExAC 0.00003; gnomAD exomes 0.00005.
gnomAD v4.1: 22 of 1,613,998 alleles (0.0014%); highest among the groups gnomAD compares: Admixed American, 0.02%; 1 homozygote.

Submissions (2):

CeGaT Center for Human Genetics Tuebingen
Classification: Likely benign. Last evaluated: 2026-04-01. Review status: criteria provided, single submitter. Criteria: CeGaT Center For Human Genetics Tuebingen Variant Classification Criteria Version 2. Collection method: clinical testing. Allele origin: germline. Affected: yes. Observed: 1 variant allele.
Comment: MTOR: BP4, BP7

Labcorp Genetics (formerly Invitae), Labcorp
Classification: Likely benign. Last evaluated: 2025-09-02. Review status: criteria provided, single submitter. Criteria: Invitae Variant Classification Sherloc (09022015). Collection method: clinical testing. Allele origin: germline.